The following is an entry in ClinVar:

ClinVar aggregate classification (germline): Uncertain significance (1 of 4 stars; one submission).

gnomAD v4.1: 42 of 1,612,860 alleles (0.0026%); highest among the groups gnomAD compares: South Asian, 0.046%; no homozygotes.

Submission:

Labcorp Genetics (formerly Invitae), Labcorp
Classification: Uncertain significance. Last evaluated: 2024-06-11. Review status: criteria provided, single submitter. Criteria: Invitae Variant Classification Sherloc (09022015). Collection method: clinical testing. Allele origin: germline.
Comment: This sequence change replaces serine, which is neutral and polar, with proline, which is neutral and non-polar, at codon 1311 of the MYO7A protein (p.Ser1311Pro). This variant is present in population databases (rs781058952, gnomAD 0.03%). This variant has not been reported in the literature in individuals affected with MYO7A-related conditions. Advanced modeling of protein sequence and biophysical properties (such as structural, functional, and spatial information, amino acid conservation, physicochemical variation, residue mobility, and thermodynamic stability) performed at Invitae indicates that this missense variant is not expected to disrupt MYO7A protein function with a negative predictive value of 95%. In summary, the available evidence is currently insufficient to determine the role of this variant in disease. Therefore, it has been classified as a Variant of Uncertain Significance.

NM_000260.4(MYO7A):c.3931T>C (p.Ser1311Pro)

Gene: MYO7A (myosin VIIA; plus strand). Cytogenetic location: 11q13.5.
Variant type: single nucleotide variant.
Coding change: c.3931T>C on transcript NM_000260.4 (MANE Select); coding-DNA position 3931, T replaced by C.
Protein change: p.Ser1311Pro; replaces serine 1311 with proline.
Molecular consequence: missense variant.
Genome position (GRCh38, 1-based): chr11:77,192,057, T>C. VCF-style: chr11-77192057-T-C. GRCh37 (hg19) VCF-style: chr11-76903102-T-C.
Other names: c.3931T>C, p.Ser1311Pro (NM_001127180.2); c.3898T>C, p.Ser1300Pro (NM_001369365.1); short protein forms S1300P, S1311P.
Identifiers: ClinVar variation 3624658 (VCV003624658.1).
Genomic context (GRCh38, chr11:77,192,057, plus strand): 5'-CCTCATAGTCCTTCCCTGACTCTGTGCCTGCTCCCCTCCCCTCTGTGCCCACAGGTGTCC[T>C]CCCTGGGCAGCGGCAGTGACCACGTCATGGACGCCATCTCCCAGTGCGAGCAGTACGCCA-3'
Protein context (NP_000251.3, residues 1301-1321): LYIALFDKVS[Ser1311Pro]LGSGSDHVMD